The following is an entry in ClinVar:

NM_001134363.3(RBM20):c.3267del (p.Ile1090fs)

Gene: RBM20 (RNA binding motif protein 20; plus strand). Cytogenetic location: 10q25.2.
Variant type: Deletion.
Coding change: c.3267del on transcript NM_001134363.3 (MANE Select); coding-DNA position 3267, one base deleted (C; older notation c.3267delC).
Protein change: p.Ile1090fs; shifts the reading frame from isoleucine 1090.
Molecular consequence: frameshift variant.
Genome position (GRCh38, 1-based): chr10:110,821,886, C deleted; the last of 7 consecutive C bases (chr10:110,821,880-110,821,886); deleting any one gives the same sequence. VCF-style (leftmost placement, unchanged base first): chr10-110821879-GC-G. GRCh37 (hg19) VCF-style: chr10-112581637-GC-G.
Other names: c.3267del (NM_001134363.1); short protein forms I1090fs.
Identifiers: ClinVar variation 2691238 (VCV002691238.5), dbSNP rs760334885, ClinGen allele CA596112303.
Genomic context (GRCh38, chr10:110,821,879, plus strand): 5'-AGACCAGGGGGACCCCCGAAGATGGGGCTTGTGAAGGCAGCCCCCTGGAGGAGAAAGCCA[GC>G]CCCCCCATCGAAACTGACCTCCAAAACCAAGCTTGCCAAGAAGTGTTGACCCCGGGTAAC-3'

ClinVar aggregate classification (germline): Conflicting classifications of pathogenicity. Review status: criteria provided, conflicting classifications (1 of 4 stars). 3 submissions from 3 submitters: Pathogenic (1); Likely pathogenic (1); Uncertain significance (1). Last evaluated 2026-01-27.

Conditions:
Cardiomyopathy (CMYO). Also called: Cardiomyopathies. Identifiers: Orphanet 167848, MedGen C0878544, MONDO:0004994, HP:0001638. Inheritance: Various modes of inheritance.
Dilated cardiomyopathy 1DD (CMD1DD). Identifiers: Orphanet 154, MedGen C2750995, MONDO:0013168, OMIM 613172.
RBM20-related disorder. Also called: RBM20-related condition.

Submissions (3):

Labcorp Genetics (formerly Invitae), Labcorp
Classification: Pathogenic for Dilated cardiomyopathy 1DD. Last evaluated: 2026-01-27. Review status: criteria provided, single submitter. Criteria: Invitae Variant Classification Sherloc (09022015). Collection method: clinical testing. Allele origin: germline.
Comment: This sequence change creates a premature translational stop signal (p.Ile1090Serfs*14) in the RBM20 gene. It is expected to result in an absent or disrupted protein product. Loss-of-function variants in RBM20 are known to be pathogenic (PMID: 20590677, 22004663, 38288598, 38510713, 40339755). This variant is present in population databases (no rsID available, gnomAD 0.002%). This premature translational stop signal has been observed in individual(s) with dilated cardiomyopathy (PMID: 36578016). ClinVar contains an entry for this variant (Variation ID: 2691238). For these reasons, this variant has been classified as Pathogenic.

Blueprint Genetics
Classification: Likely pathogenic for RBM20-related disorders. Last evaluated: 2024-10-01. Review status: criteria provided, single submitter. Criteria: ACMG Guidelines, 2015. Collection method: clinical testing. Allele origin: germline. Affected: yes. Observed: 5 variant alleles.

CHEO Genetics Diagnostic Laboratory, Children's Hospital of Eastern Ontario
Classification: Uncertain significance for Cardiomyopathy. Last evaluated: 2023-01-12. Review status: criteria provided, single submitter. Criteria: ACMG Guidelines, 2015. Collection method: clinical testing. Allele origin: germline.

Literature cited by the submitters: PubMed 20590677 (cited by Labcorp Genetics (formerly Invitae), Labcorp); PubMed 22004663 (cited by Labcorp Genetics (formerly Invitae), Labcorp); PubMed 38288598 (cited by Labcorp Genetics (formerly Invitae), Labcorp); PubMed 38510713 (cited by Labcorp Genetics (formerly Invitae), Labcorp); PubMed 40339755 (cited by Labcorp Genetics (formerly Invitae), Labcorp); PubMed 36578016 (cited by Labcorp Genetics (formerly Invitae), Labcorp).